The following is an entry in ClinVar:

NM_004715.5(CTDP1):c.2787C>T (p.Ser929=)

Gene: CTDP1 (CTD phosphatase subunit 1; plus strand). Cytogenetic location: 18q23.
Variant type: single nucleotide variant.
Coding change: c.2787C>T on transcript NM_004715.5 (MANE Select); coding-DNA position 2787, C replaced by T.
Protein change: p.Ser929=; no amino-acid change (serine 929 retained).
Molecular consequence: synonymous variant. On other transcripts: 3 prime UTR variant (2).
Genome position (GRCh38, 1-based): chr18:79,753,691, C>T. VCF-style: chr18-79753691-C-T. GRCh37 (hg19) VCF-style: chr18-77513691-C-T.
Other names: p.Ser929=; c.2430C>T, p.Ser810= (NM_001202504.1); c.*16C>T (NM_001318511.2); c.*20C>T (NM_048368.4).
Identifiers: ClinVar variation 2900885 (VCV002900885.4), dbSNP rs201167927, ClinGen allele CA9010712.
Genomic context (GRCh38, chr18:79,753,691, plus strand): 5'-ACCATGTTTGCTTCTCTGCAGAGGCCACAAGAGGAAGCTGAATGAAGAGGACGCCGCCAG[C>T]GAGTCCAGCAGGGAGTCCAGCAACGAGGATGAGGGCAGCAGCTCCGAGGCCGACGAGATG-3'
Protein context (NP_004706.3, residues 919-939): KRKLNEEDAA[Ser929=]ESSRESSNED

ClinVar aggregate classification (germline): Likely benign. Review status: criteria provided, multiple submitters, no conflicts (2 of 4 stars). 2 submissions from 2 submitters: Likely benign (2). Last evaluated 2025-09-30.

Allele frequency attached by ClinVar (database versions not stated): gnomAD 0.00001; ExAC 0.00002; TOPMed 0.00002; gnomAD exomes 0.00003.
gnomAD v4.1: 43 of 1,614,000 alleles (0.0027%); highest among the groups gnomAD compares: Admixed American, 0.005%; no homozygotes.

Submissions (2):

Mayo Clinic Laboratories, Mayo Clinic
Classification: Likely benign. Last evaluated: 2025-09-30. Review status: criteria provided, single submitter. Criteria: ACMG Guidelines, 2015. Collection method: clinical testing. Allele origin: germline. Observed: 1 variant allele.
Comment: BP4, BP7

Labcorp Genetics (formerly Invitae), Labcorp
Classification: Likely benign. Last evaluated: 2025-03-04. Review status: criteria provided, single submitter. Criteria: Invitae Variant Classification Sherloc (09022015). Collection method: clinical testing. Allele origin: germline.